The following is an entry in ClinVar:

NM_006231.4(POLE):c.274A>G (p.Ser92Gly)

Gene: POLE (DNA polymerase epsilon, catalytic subunit; minus strand). Cytogenetic location: 12q24.33.
Variant type: single nucleotide variant.
Coding change: c.274A>G on transcript NM_006231.4 (MANE Select); coding-DNA position 274, A replaced by G.
Protein change: p.Ser92Gly; replaces serine 92 with glycine.
Molecular consequence: missense variant.
Genome position (GRCh38, 1-based): chr12:132,680,618, T>C on the plus strand (A>G on the coding strand, the complement: POLE is on the minus strand). VCF-style: chr12-132680618-T-C. GRCh37 (hg19) VCF-style: chr12-133257204-T-C.
Other names: short protein forms S92G.
Identifiers: ClinVar variation 2770608 (VCV002770608.3), dbSNP rs758382516, ClinGen allele CA387369072.
Genomic context (GRCh38, chr12:132,680,618, plus strand): 5'-ATGAACACCCATAAAAGTGGGTTTTAGCTTGTCGCAGTCAGGGGCTTACCTTAAATCTGC[T>C]TCCGTCATCTTGAATAAAGTAGTAATCCACTGCACTGCCTAAGCGCTTATCTTCATCTAA-3'
Protein context (NP_006222.2, residues 82-102): VDYYFIQDDG[Ser92Gly]RFKVALPYKP

ClinVar aggregate classification (germline): Uncertain significance (1 of 4 stars; one submission).

Submission:

Labcorp Genetics (formerly Invitae), Labcorp
Classification: Uncertain significance. Last evaluated: 2026-01-21. Review status: criteria provided, single submitter. Criteria: Invitae Variant Classification Sherloc (09022015). Collection method: clinical testing. Allele origin: germline.
Comment: This sequence change replaces serine, which is neutral and polar, with glycine, which is neutral and non-polar, at codon 92 of the POLE protein (p.Ser92Gly). This variant is not present in population databases (gnomAD no frequency). This variant has not been reported in the literature in individuals affected with POLE-related conditions. ClinVar contains an entry for this variant (Variation ID: 2770608). Invitae Evidence Modeling of protein sequence and biophysical properties (such as structural, functional, and spatial information, amino acid conservation, physicochemical variation, residue mobility, and thermodynamic stability) indicates that this missense variant is not expected to disrupt POLE protein function with a negative predictive value of 80%. In summary, the available evidence is currently insufficient to determine the role of this variant in disease. Therefore, it has been classified as a Variant of Uncertain Significance.